The following is an entry in ClinVar:

ClinVar aggregate classification (germline): Uncertain significance. Review status: criteria provided, multiple submitters, no conflicts (2 of 4 stars). 2 submissions from 2 submitters: Uncertain significance (2). Last evaluated 2025-12-08.

Conditions:
Bailey-Bloch congenital myopathy (CMYO13). Also called: Congenital myopathy 13; Native American myopathy; STAC3 disorder. Identifiers: Orphanet 168572, MedGen C1850625, MONDO:0009722, OMIM 255995.
Inborn genetic diseases. Identifiers: MedGen C0950123, MeSH D030342.

gnomAD v4.1: 8 of 1,613,646 alleles (0.0005%); highest among the groups gnomAD compares: Non-Finnish European, 0.00051%; no homozygotes.

Submissions (2):

Ambry Genetics
Classification: Uncertain significance for Inborn genetic diseases. Last evaluated: 2025-12-08. Review status: criteria provided, single submitter. Criteria: Ambry Variant Classification Scheme 2023. Collection method: clinical testing. Allele origin: germline.

Labcorp Genetics (formerly Invitae), Labcorp
Classification: Uncertain significance for Bailey-Bloch congenital myopathy. Last evaluated: 2022-07-12. Review status: criteria provided, single submitter. Criteria: Invitae Variant Classification Sherloc (09022015). Collection method: clinical testing. Allele origin: germline.
Comment: This sequence change replaces glycine, which is neutral and non-polar, with serine, which is neutral and polar, at codon 142 of the STAC3 protein (p.Gly142Ser). This variant is present in population databases (rs777565251, gnomAD 0.0009%). This variant has not been reported in the literature in individuals affected with STAC3-related conditions. ClinVar contains an entry for this variant (Variation ID: 835014). Algorithms developed to predict the effect of missense changes on protein structure and function are either unavailable or do not agree on the potential impact of this missense change (SIFT: "Deleterious"; PolyPhen-2: "Probably Damaging"; Align-GVGD: "Class C0"). In summary, the available evidence is currently insufficient to determine the role of this variant in disease. Therefore, it has been classified as a Variant of Uncertain Significance.

NM_145064.3(STAC3):c.424G>A (p.Gly142Ser)

Gene: STAC3 (SH3 and cysteine rich domain 3; minus strand). Cytogenetic location: 12q13.3.
Variant type: single nucleotide variant.
Coding change: c.424G>A on transcript NM_145064.3 (MANE Select); coding-DNA position 424, G replaced by A.
Protein change: p.Gly142Ser; replaces glycine 142 with serine.
Molecular consequence: missense variant. On other transcripts: intron variant (1).
Genome position (GRCh38, 1-based): chr12:57,248,714, C>T on the plus strand (G>A on the coding strand, the complement: STAC3 is on the minus strand). VCF-style: chr12-57248714-C-T. GRCh37 (hg19) VCF-style: chr12-57642497-C-T.
Other names: c.424G>A (NM_145064.1); c.307G>A, p.Gly103Ser (NM_001286256.2); c.-126-516G>A (NM_001286257.2); short protein forms G103S, G142S.
Identifiers: ClinVar variation 835014 (VCV000835014.13), dbSNP rs777565251, ClinGen allele CA6647156.